The following is an entry in ClinVar:

NM_001105206.3(LAMA4):c.4982-6C>G

Gene: LAMA4 (laminin subunit alpha 4; minus strand). Cytogenetic location: 6q21.
Variant type: single nucleotide variant.
Coding change: c.4982-6C>G on transcript NM_001105206.3 (MANE Select); 6 bases into the intron before coding-DNA position 4982, C replaced by G.
Molecular consequence: intron variant.
Genome position (GRCh38, 1-based): chr6:112,115,999, G>C on the plus strand (C>G on the coding strand, the complement: LAMA4 is on the minus strand). VCF-style: chr6-112115999-G-C. GRCh37 (hg19) VCF-style: chr6-112437202-G-C.
Other names: c.4961-6C>G (NM_002290.5, NM_001105207.3).
Identifiers: ClinVar variation 935968 (VCV000935968.9), dbSNP rs782572887, ClinGen allele CA1139659778.

ClinVar aggregate classification (germline): Uncertain significance (1 of 4 stars; one submission).

Conditions:
Dilated cardiomyopathy 1JJ (CMD1JJ). Identifiers: Orphanet 154, MedGen C3808935, MONDO:0014095, OMIM 615235.

Submission:

Labcorp Genetics (formerly Invitae), Labcorp
Classification: Uncertain significance for Dilated cardiomyopathy 1JJ. Last evaluated: 2022-10-18. Review status: criteria provided, single submitter. Criteria: Invitae Variant Classification Sherloc (09022015). Collection method: clinical testing. Allele origin: germline.
Comment: This sequence change falls in intron 35 of the LAMA4 gene. It does not directly change the encoded amino acid sequence of the LAMA4 protein. This variant is not present in population databases (gnomAD no frequency). This variant has not been reported in the literature in individuals affected with LAMA4-related conditions. ClinVar contains an entry for this variant (Variation ID: 935968). Algorithms developed to predict the effect of sequence changes on RNA splicing suggest that this variant may create or strengthen a splice site. In summary, the available evidence is currently insufficient to determine the role of this variant in disease. Therefore, it has been classified as a Variant of Uncertain Significance.